The following is an entry in ClinVar:

ClinVar aggregate classification (germline): Likely benign (0 of 4 stars; one submission).

Conditions:
SLC17A9-related disorder. Also called: SLC17A9-related condition.

Allele frequency attached by ClinVar (database versions not stated): gnomAD 0.00001; TOPMed 0.00002; ExAC 0.00003; gnomAD exomes 0.00005.
gnomAD v4.1: 75 of 1,613,730 alleles (0.0046%); highest among the groups gnomAD compares: Middle Eastern, 0.12%; no homozygotes.

Submission:

PreventionGenetics, part of Exact Sciences
Classification: Likely benign for SLC17A9-related condition. Last evaluated: 2019-05-31. Review status: no assertion criteria provided. Collection method: clinical testing. Allele origin: germline.
Comment: This variant is classified as likely benign based on ACMG/AMP sequence variant interpretation guidelines (Richards et al. 2015 PMID: 25741868, with internal and published modifications).

NM_022082.4(SLC17A9):c.663C>T (p.Ser221=)

Gene: SLC17A9 (solute carrier family 17 member 9; plus strand). Cytogenetic location: 20q13.33.
Variant type: single nucleotide variant.
Coding change: c.663C>T on transcript NM_022082.4 (MANE Select); coding-DNA position 663, C replaced by T.
Protein change: p.Ser221=; no amino-acid change (serine 221 retained).
Molecular consequence: synonymous variant.
Genome position (GRCh38, 1-based): chr20:62,963,307, C>T. VCF-style: chr20-62963307-C-T. GRCh37 (hg19) VCF-style: chr20-61594659-C-T.
Other names: c.645C>T, p.Ser215= (NM_001302643.2).
Identifiers: ClinVar variation 3044028 (VCV003044028.2), dbSNP rs769397098, ClinGen allele CA9952993.